The following is an entry in ClinVar:

ClinVar aggregate classification (germline): Likely benign. Review status: criteria provided, multiple submitters, no conflicts (2 of 4 stars). 2 submissions from 2 submitters: Likely benign (2). Last evaluated 2025-05-05.

Conditions:
Distal myopathy with posterior leg and anterior hand involvement. Also called: WILLIAMS DISTAL MYOPATHY. Identifiers: Orphanet 63273, MedGen C3279722, MONDO:0013550, OMIM 614065.
Myofibrillar myopathy 5. Also called: Filaminopathy (type); FILAMINOPATHY, AUTOSOMAL DOMINANT. Identifiers: Orphanet 171445, MedGen C1836050, MONDO:0012289, OMIM 609524.
Hypertrophic cardiomyopathy 26. Also called: Cardiomyopathy, familial hypertrophic, 26. Identifiers: Orphanet 75249, MedGen C4310749, MONDO:0014883, OMIM 617047.

Allele frequency attached by ClinVar (database versions not stated): gnomAD exomes 0.00001 and 0.00002; ExAC 0.00004.
gnomAD v4.1: 8 of 1,580,092 alleles (0.00051%); highest among the groups gnomAD compares: Admixed American, 0.014%; no homozygotes.

Submissions (2):

Labcorp Genetics (formerly Invitae), Labcorp
Classification: Likely benign for Distal myopathy with posterior leg and anterior hand involvement; Myofibrillar myopathy 5; Hypertrophic cardiomyopathy 26. Last evaluated: 2025-05-05. Review status: criteria provided, single submitter. Criteria: Invitae Variant Classification Sherloc (09022015). Collection method: clinical testing. Allele origin: germline.

Mayo Clinic Laboratories, Mayo Clinic
Classification: Likely benign. Last evaluated: 2025-04-16. Review status: criteria provided, single submitter. Criteria: ACMG Guidelines, 2015. Collection method: clinical testing. Allele origin: germline. Observed: 1 variant allele.
Comment: BP4, BP7

NM_001458.5(FLNC):c.5200-9C>T

Gene: FLNC (filamin C; plus strand). Cytogenetic location: 7q32.1.
Variant type: single nucleotide variant.
Coding change: c.5200-9C>T on transcript NM_001458.5 (MANE Select); 9 bases into the intron before coding-DNA position 5200, C replaced by T.
Molecular consequence: intron variant.
Genome position (GRCh38, 1-based): chr7:128,849,967, C>T. VCF-style: chr7-128849967-C-T. GRCh37 (hg19) VCF-style: chr7-128490021-C-T.
Other names: p.?; c.5199+389C>T (NM_001127487.2).
Identifiers: ClinVar variation 539454 (VCV000539454.10), dbSNP rs777290470, ClinGen allele CA4475605.